The following is an entry in ClinVar:

ClinVar aggregate classification (germline): Uncertain significance. Review status: criteria provided, multiple submitters, no conflicts (2 of 4 stars). 2 submissions from 2 submitters: Uncertain significance (2). Last evaluated 2026-03-05.

Conditions:
Dubin-Johnson syndrome (DJS). Also called: HYPERBILIRUBINEMIA, DUBIN-JOHNSON TYPE; Jaundice, Chronic Idiopathic; Hyperbilirubinemia type 2. Identifiers: Orphanet 234, MedGen C0022350, MONDO:0009380, OMIM 237500.
ABCC2-related disorder. Also called: ABCC2-related condition.

Allele frequency attached by ClinVar (database versions not stated): gnomAD exomes 0.00010 and 0.00041; gnomAD 0.00011; ExAC 0.00012; TOPMed 0.00013; ESP Exome Variant Server 0.00015; 1000 Genomes Project 0.00020; 1000 Genomes Project 30x 0.00031.
gnomAD v4.1: 607 of 1,614,190 alleles (0.038%); highest among the groups gnomAD compares: Non-Finnish European, 0.049%; no homozygotes.

Submissions (2):

PreventionGenetics, part of Exact Sciences
Classification: Uncertain significance for ABCC2-related condition. Last evaluated: 2026-03-05. Review status: criteria provided, single submitter. Criteria: ACMG Guidelines, 2015. Collection method: clinical testing. Allele origin: germline.
Comment: The ABCC2 c.3239T>C variant is predicted to result in the amino acid substitution p.Ile1080Thr. To our knowledge, this variant has not been reported in the literature. This variant is reported in 0.025% of alleles in individuals of African descent in gnomAD. At this time, the clinical significance of this variant is uncertain due to the absence of conclusive functional and genetic evidence.

Illumina Laboratory Services, Illumina
Classification: Uncertain significance for Dubin-Johnson syndrome. Last evaluated: 2018-01-13. Review status: criteria provided, single submitter. Criteria: ICSL Variant Classification Criteria 13 December 2019. Collection method: clinical testing. Allele origin: germline.

NM_000392.5(ABCC2):c.3239T>C (p.Ile1080Thr)

Gene: ABCC2 (ATP binding cassette subfamily C member 2; plus strand). Cytogenetic location: 10q24.2.
Variant type: single nucleotide variant.
Coding change: c.3239T>C on transcript NM_000392.5 (MANE Select); coding-DNA position 3239, T replaced by C.
Protein change: p.Ile1080Thr; replaces isoleucine 1080 with threonine.
Molecular consequence: missense variant.
Genome position (GRCh38, 1-based): chr10:99,832,112, T>C. VCF-style: chr10-99832112-T-C. GRCh37 (hg19) VCF-style: chr10-101591869-T-C.
Other names: c.3239T>C (NM_000392.4); c.3239T>C, p.Ile1080Thr (LRG_1208t1); short protein forms I1080T.
Identifiers: ClinVar variation 298462 (VCV000298462.6), dbSNP rs138221862, ClinGen allele CA5643726.